The following is an entry in ClinVar:

NM_001267550.2(TTN):c.78634A>T (p.Arg26212Ter)

Genes: TTN (titin; minus strand), TTN-AS1 (TTN antisense RNA 1; plus strand). Cytogenetic location: 2q31.2.
Variant type: single nucleotide variant.
Coding change: c.78634A>T on transcript NM_001267550.2 (MANE Select); coding-DNA position 78634, A replaced by T.
Protein change: p.Arg26212Ter; replaces arginine 26212 with a stop codon.
Molecular consequence: nonsense.
Genome position (GRCh38, 1-based): chr2:178,567,498, T>A on the plus strand (A>T on the coding strand, the complement: TTN is on the minus strand). VCF-style: chr2-178567498-T-A. GRCh37 (hg19) VCF-style: chr2-179432225-T-A.
Other names: c.73711A>T, p.Arg24571Ter (NM_001256850.1); c.51439A>T, p.Arg17147Ter (NM_003319.4); c.70930A>T, p.Arg23644Ter (NM_133378.4); c.51814A>T, p.Arg17272Ter (NM_133432.3); c.52015A>T, p.Arg17339Ter (NM_133437.4); short protein forms R26212*, R17272*, R23644*, R17147*, R17339*, R24571*.
Identifiers: ClinVar variation 573050 (VCV000573050.2), dbSNP rs1559362000, ClinGen allele CA349601823.

ClinVar aggregate classification (germline): Likely pathogenic. Review status: criteria provided, multiple submitters, no conflicts (2 of 4 stars). 2 submissions from 2 submitters: Likely pathogenic (2). Last evaluated 2026-04-29.

Conditions:
Dilated cardiomyopathy 1G (CMD1G). Identifiers: Orphanet 154, MedGen C1858763, MONDO:0011400, OMIM 604145.
Autosomal recessive limb-girdle muscular dystrophy type 2J (LGMDR10). Also called: Limb-girdle muscular dystrophy, type 2J; MUSCULAR DYSTROPHY, LIMB-GIRDLE, AUTOSOMAL RECESSIVE 10. Identifiers: Orphanet 140922, MedGen C1837342, MONDO:0012127, OMIM 608807.

Submissions (2):

Victorian Clinical Genetics Services, Murdoch Childrens Research Institute
Classification: Likely pathogenic for Dilated cardiomyopathy 1G. Last evaluated: 2026-04-29. Review status: criteria provided, single submitter. Criteria: ACMG Guidelines, 2015. Collection method: clinical testing. Allele origin: germline. Affected: yes.
Comment: This variant is classified as Likely pathogenic. Evidence in support of pathogenic classification: Variant is predicted to cause nonsense-mediated decay (NMD) and loss of protein (premature termination codon is located at least 54 nucleotides upstream of the final exon-exon junction); Variant is absent from gnomAD (v2, v3 and v4); Other NMD-predicted variant(s) comparable to the one identified in this case have strong previous evidence for pathogenicity (ClinVar). Additional information: This variant is heterozygous; This gene is associated with both recessive and dominant disease (OMIM); This variant has no previous evidence of pathogenicity; No published functional evidence has been identified for this variant; Variant is located in the annotated A-band and the exon has a PSI score of 100% (PMID: 25589632); Loss of function is a known mechanism of disease in this gene. In addition, dominant negative is also a suggested mechanism (PMID: 25589632); The condition associated with this gene has incomplete penetrance. Variants in this gene that result in a premature termination codon (PTC) are known to have reduced penetrance in DCM (PMID: 25589632); Inheritance information for this variant is not currently available in this individual.

Labcorp Genetics (formerly Invitae), Labcorp
Classification: Likely pathogenic for Dilated cardiomyopathy 1G; Limb-girdle muscular dystrophy, type 2J. Last evaluated: 2018-06-26. Review status: criteria provided, single submitter. Criteria: Invitae Variant Classification Sherloc (09022015). Collection method: clinical testing. Allele origin: germline.
Comment: This sequence change results in a premature translational stop signal in the TTN gene (p.Arg26212*).Â¬â€ While this is not anticipated to result in nonsense mediated decay, it is expected to create a truncated TTN protein. This variant is not present in population databases (ExAC no frequency). This variant has not been reported in the literature in individuals with TTN-related disease. This variant identified in the TTN gene is located in the A band of the resulting protein (PMID: 25589632).Â¬â€ Truncating variants in this region are significantly overrepresented in patients affected with dilated cardiomyopathy (PMID: 25589632). Truncating variants in TTN have also been reported in individuals affected with autosomal recessive centronuclear myopathy (PMID: 23975875). In summary, the currently available evidence indicates that the variant is pathogenic, but additional data are needed to prove that conclusively. Therefore, this variant has been classified as Likely Pathogenic.

Literature cited by the submitters: PubMed 25589632 (cited by Victorian Clinical Genetics Services, Murdoch Childrens Research Institute and Labcorp Genetics (formerly Invitae), Labcorp); PubMed 23975875 (cited by Labcorp Genetics (formerly Invitae), Labcorp).